The following is an entry in ClinVar:

NM_017612.5(ZCCHC8):c.1423C>T (p.Leu475Phe)

Gene: ZCCHC8 (zinc finger CCHC-type containing 8; minus strand). Cytogenetic location: 12q24.31.
Variant type: single nucleotide variant.
Coding change: c.1423C>T on transcript NM_017612.5 (MANE Select); coding-DNA position 1423, C replaced by T.
Protein change: p.Leu475Phe; replaces leucine 475 with phenylalanine.
Molecular consequence: missense variant.
Genome position (GRCh38, 1-based): chr12:122,474,198, G>A on the plus strand (C>T on the coding strand, the complement: ZCCHC8 is on the minus strand). VCF-style: chr12-122474198-G-A. GRCh37 (hg19) VCF-style: chr12-122958745-G-A.
Other names: c.1192C>T, p.Leu398Phe (NM_001350935.2); c.1126C>T, p.Leu376Phe (NM_001350936.2); c.709C>T, p.Leu237Phe (NM_001350937.2, NM_001350938.2); short protein forms L475F, L237F, L376F, L398F.
Identifiers: ClinVar variation 3984122 (VCV003984122.2).

ClinVar aggregate classification (germline): Uncertain significance. Review status: criteria provided, multiple submitters, no conflicts (2 of 4 stars). 2 submissions from 2 submitters: Uncertain significance (2). Last evaluated 2025-11-23.

gnomAD v4.1: 21 of 1,511,666 alleles (0.0014%); highest among the groups gnomAD compares: Non-Finnish European, 0.0018%; no homozygotes.

Submissions (2):

Labcorp Genetics (formerly Invitae), Labcorp
Classification: Uncertain significance. Last evaluated: 2025-11-23. Review status: criteria provided, single submitter. Criteria: Invitae Variant Classification Sherloc (09022015). Collection method: clinical testing. Allele origin: germline.
Comment: This sequence change replaces leucine, which is neutral and non-polar, with phenylalanine, which is neutral and non-polar, at codon 475 of the ZCCHC8 protein (p.Leu475Phe). This variant is not present in population databases (gnomAD no frequency). This variant has not been reported in the literature in individuals affected with ZCCHC8-related conditions. ClinVar contains an entry for this variant (Variation ID: 3984122). Invitae Evidence Modeling of protein sequence and biophysical properties (such as structural, functional, and spatial information, amino acid conservation, physicochemical variation, residue mobility, and thermodynamic stability) indicates that this missense variant is expected to disrupt ZCCHC8 protein function with a positive predictive value of 80%. In summary, the available evidence is currently insufficient to determine the role of this variant in disease. Therefore, it has been classified as a Variant of Uncertain Significance.

Ambry Genetics
Classification: Uncertain significance. Last evaluated: 2025-06-10. Review status: criteria provided, single submitter. Criteria: Ambry Variant Classification Scheme 2023. Collection method: clinical testing. Allele origin: germline.